The following is an entry in ClinVar:

ClinVar aggregate classification (germline): Likely pathogenic (1 of 4 stars; one submission).

Conditions:
Glycogen storage disease type III (GSD3). Also called: Cori disease; FORBES DISEASE. Identifiers: Orphanet 366, MedGen C0017922, MONDO:0009291, OMIM 232400.

Submission:

Juno Genomics, Hangzhou Juno Genomics, Inc
Classification: Likely pathogenic for Glycogen storage disease type III. Review status: criteria provided, single submitter. Criteria: ACMG Guidelines, 2015. Collection method: clinical testing. Allele origin: germline.
Comment: Null variant in a gene where loss of function (LOF) is a known mechanism of disease.;Absent from controls (or at extremely low frequency if recessive) in Genome Aggregation Database.

NM_000642.3(AGL):c.2940_2943dup (p.Ala982fs)

Gene: AGL (amylo-alpha-1,6-glucosidase and 4-alpha-glucanotransferase; plus strand). Cytogenetic location: 1p21.2.
Variant type: Duplication.
Coding change: c.2940_2943dup on transcript NM_000642.3 (MANE Select); coding-DNA positions 2940 to 2943, 4 bases duplicated (TATT; older notation c.2940_2943dupTATT).
Protein change: p.Ala982fs; shifts the reading frame from alanine 982.
Molecular consequence: frameshift variant.
Genome position (GRCh38, 1-based): chr1:99,891,347-99,891,350, TATT duplicated. VCF-style (leftmost placement, unchanged base first): chr1-99891346-C-CTATT. GRCh37 (hg19) VCF-style: chr1-100356902-C-CTATT.
Other names: c.2940_2943dup, p.Ala982fs (NM_000028.3, NM_000643.3, NM_000644.3 and 1 more transcripts); c.2892_2895dup, p.Ala966fs (NM_000646.3); c.2919_2922dup, p.Ala975fs (NM_001425326.1); c.2739_2742dup, p.Ala915fs (NM_001425327.1); c.2736_2739dup, p.Ala914fs (NM_001425328.1); c.2601_2604dup, p.Ala869fs (NM_001425329.1); c.2562_2565dup, p.Ala856fs (NM_001425332.1); short protein forms A856fs, A975fs, A869fs, A982fs, A914fs, A915fs, A966fs.
Identifiers: ClinVar variation 5007413 (VCV005007413.2).
Genomic context (GRCh38, chr1:99,891,346, plus strand): 5'-TGAGATCTGGAGATTGGATGATTGACTATGTCAGTAACCGGCTTATTTCACGATCAGGAA[C>CTATT]TATTGCTGAAGTAAGTAGAGCTATATTATCGTCCCAAAAAATCAAGGACATAATAATAAA-3'